The following is an entry in ClinVar:

ClinVar aggregate classification (germline): Uncertain significance (1 of 4 stars; one submission).

gnomAD v4.1: 2 of 1,611,046 alleles (0.00012%); highest among the groups gnomAD compares: Non-Finnish European, 0.00017%; no homozygotes.

Submission:

Women's Health and Genetics/Laboratory Corporation of America, LabCorp
Classification: Uncertain significance. Last evaluated: 2026-04-21. Review status: criteria provided, single submitter. Criteria: LabCorp Variant Classification Summary - May 2015. Collection method: clinical testing. Allele origin: germline.
Comment: Variant summary: PKD1 c.3674A>T (p.Gln1225Leu) results in a non-conservative amino acid change in the encoded protein sequence. Algorithms developed to predict the effect of missense changes on protein structure and function are either unavailable or do not agree on the potential impact of this missense change. The variant was absent in 239434 control chromosomes. The available data on variant occurrences in the general population are insufficient to allow any conclusion about variant significance. To our knowledge, no occurrence of c.3674A>T in individuals affected with PKD1-related conditions and no experimental evidence demonstrating its impact on protein function have been reported. No submitters have cited clinical-significance assessments for this variant to ClinVar. Based on the evidence outlined above, the variant was classified as uncertain significance.

NM_001009944.3(PKD1):c.3674A>T (p.Gln1225Leu)

Gene: PKD1 (polycystin 1, transient receptor potential channel interacting; minus strand). Cytogenetic location: 16p13.3.
Variant type: single nucleotide variant.
Coding change: c.3674A>T on transcript NM_001009944.3 (MANE Select); coding-DNA position 3674, A replaced by T.
Protein change: p.Gln1225Leu; replaces glutamine 1225 with leucine.
Molecular consequence: missense variant.
Genome position (GRCh38, 1-based): chr16:2,111,493, T>A on the plus strand (A>T on the coding strand, the complement: PKD1 is on the minus strand). VCF-style: chr16-2111493-T-A. GRCh37 (hg19) VCF-style: chr16-2161494-T-A.
Other names: c.3674A>T, p.Gln1225Leu (NM_000296.4); short protein forms Q1225L.
Identifiers: ClinVar variation 4849195 (VCV004849195.1).